The following is an entry in ClinVar:

ClinVar aggregate classification (germline): Benign/Likely benign. Review status: criteria provided, multiple submitters, no conflicts (2 of 4 stars). 4 submissions from 4 submitters: Benign (1); Likely benign (2). 1 of the submissions does not count toward it. Last evaluated 2026-01-22.

Conditions:
MYO18B-related disorder. Also called: MYO18B-related condition.

Allele frequency attached by ClinVar (database versions not stated): gnomAD 0.00009 and 0.00013; gnomAD exomes 0.00012 and 0.00031; TOPMed 0.00012; ExAC 0.00039; 1000 Genomes Project 30x 0.00094; 1000 Genomes Project 0.00100.
gnomAD v4.1: 196 of 1,607,732 alleles (0.012%); highest among the groups gnomAD compares: East Asian, 0.18%; no homozygotes.

Submissions (4):

Labcorp Genetics (formerly Invitae), Labcorp
Classification: Benign. Last evaluated: 2026-01-22. Review status: criteria provided, single submitter. Criteria: Invitae Variant Classification Sherloc (09022015). Collection method: clinical testing. Allele origin: germline.

Blueprint Genetics
Classification: Likely benign. Last evaluated: 2024-10-15. Review status: criteria provided, single submitter. Criteria: ACMG Guidelines, 2015. Collection method: clinical testing. Allele origin: germline.

CeGaT Center for Human Genetics Tuebingen
Classification: Likely benign. Last evaluated: 2022-09-01. Review status: criteria provided, single submitter. Criteria: CeGaT Center For Human Genetics Tuebingen Variant Classification Criteria Version 2. Collection method: clinical testing. Allele origin: germline. Affected: yes. Observed: 1 variant allele.
Comment: MYO18B: BP4, BP7

PreventionGenetics, part of Exact Sciences
Classification: Likely benign for MYO18B-related condition. Last evaluated: 2019-08-08. Review status: no assertion criteria provided. Collection method: clinical testing. Allele origin: germline. Not counted in ClinVar's aggregate classification.
Comment: This variant is classified as likely benign based on ACMG/AMP sequence variant interpretation guidelines (Richards et al. 2015 PMID: 25741868, with internal and published modifications).

NM_032608.7(MYO18B):c.6318C>T (p.Ser2106=)

Gene: MYO18B (myosin XVIIIB; plus strand). Cytogenetic location: 22q12.1.
Variant type: single nucleotide variant.
Coding change: c.6318C>T on transcript NM_032608.7 (MANE Select); coding-DNA position 6318, C replaced by T.
Protein change: p.Ser2106=; no amino-acid change (serine 2106 retained).
Molecular consequence: synonymous variant.
Genome position (GRCh38, 1-based): chr22:26,003,295, C>T. VCF-style: chr22-26003295-C-T. GRCh37 (hg19) VCF-style: chr22-26399261-C-T.
Other names: c.6318C>T (NM_032608.6); c.6321C>T, p.Ser2107= (NM_001318245.2).
Identifiers: ClinVar variation 1631572 (VCV001631572.34), dbSNP rs184753766, ClinGen allele CA10161484.